The following is an entry in ClinVar:

NM_000719.7(CACNA1C):c.5681-77C>T

Genes: CACNA1C (calcium voltage-gated channel subunit alpha1 C; plus strand), CACNA1C-AS1 (CACNA1C antisense RNA 1; minus strand). Cytogenetic location: 12p13.33.
Variant type: single nucleotide variant.
Coding change: c.5681-77C>T on transcript NM_000719.7 (MANE Select); 77 bases into the intron before coding-DNA position 5681, C replaced by T.
Molecular consequence: intron variant.
Genome position (GRCh38, 1-based): chr12:2,686,089, C>T. VCF-style: chr12-2686089-C-T. GRCh37 (hg19) VCF-style: chr12-2795255-C-T.
Other names: c.5786-77C>T (NM_001167624.3, NM_001129830.3); c.5681-77C>T (NM_001167623.2, NM_001129840.2, NM_001129842.2 and 2 more transcripts); c.5861-77C>T (NM_001167625.2); c.5930-77C>T (NM_199460.4); c.5825-77C>T (NM_001129827.2); c.5741-77C>T (NM_001129832.2); c.5765-77C>T (NM_001129831.2); c.5738-77C>T (NM_001129833.2, NM_001129834.2, NM_001129835.2); and 6 more.
Identifiers: ClinVar variation 671812 (VCV000671812.9), dbSNP rs2270373, ClinGen allele CA13704616.

ClinVar aggregate classification (germline): Benign. Review status: criteria provided, multiple submitters, no conflicts (2 of 4 stars). 4 submissions from 4 submitters: Benign (4). Last evaluated 2021-07-14.

Conditions:
Timothy syndrome (TS). Also called: LONG QT SYNDROME WITH SYNDACTYLY. Identifiers: Orphanet 65283, MedGen C1832916, MeSH C536962, MONDO:0010979, OMIM 601005.
Long QT syndrome (LQTS). Identifiers: MedGen C0023976, MeSH D008133, MONDO:0002442. Disease mechanism: loss of function. Inheritance: Various modes of inheritance.

Allele frequency attached by ClinVar (database versions not stated): 1000 Genomes Project 30x 0.76390; 1000 Genomes Project 0.77077; TOPMed 0.77725; gnomAD 0.79539 and 0.80383.

Submissions (4):

Genome-Nilou Lab
Classification: Benign for Timothy syndrome. Last evaluated: 2021-07-14. Review status: criteria provided, single submitter. Criteria: ACMG Guidelines, 2015. Collection method: clinical testing. Allele origin: germline. Affected: no.

Labcorp Genetics (formerly Invitae), Labcorp
Classification: Benign for Long QT syndrome. Last evaluated: 2019-12-31. Review status: criteria provided, single submitter. Criteria: Invitae Variant Classification Sherloc (09022015). Collection method: clinical testing. Allele origin: germline.

GeneDx
Classification: Benign. Last evaluated: 2018-06-14. Review status: criteria provided, single submitter. Criteria: GeneDx Variant Classification (06012015). Collection method: clinical testing. Allele origin: germline. Affected: yes.
Comment: This variant is considered likely benign or benign based on one or more of the following criteria: it is a conservative change, it occurs at a poorly conserved position in the protein, it is predicted to be benign by multiple in silico algorithms, and/or has population frequency not consistent with disease.

Breakthrough Genomics
Classification: Benign. Review status: criteria provided, single submitter. Criteria: ACMG Guidelines, 2015. Collection method: not provided. Allele origin: germline. Inheritance: Autosomal dominant inheritance. Affected: yes.